The following is an entry in ClinVar:

NM_006268.5(DPF2):c.305C>T (p.Thr102Ile)

Gene: DPF2 (double PHD fingers 2; plus strand). Cytogenetic location: 11q13.1.
Variant type: single nucleotide variant.
Coding change: c.305C>T on transcript NM_006268.5 (MANE Select); coding-DNA position 305, C replaced by T.
Protein change: p.Thr102Ile; replaces threonine 102 with isoleucine.
Molecular consequence: missense variant.
Genome position (GRCh38, 1-based): chr11:65,341,402, C>T. VCF-style: chr11-65341402-C-T. GRCh37 (hg19) VCF-style: chr11-65108873-C-T.
Other names: c.305C>T, p.Thr102Ile (NM_001330308.2); short protein forms T102I.
Identifiers: ClinVar variation 3687183 (VCV003687183.2).

ClinVar aggregate classification (germline): Uncertain significance (1 of 4 stars; one submission).

gnomAD v4.1: 1 of 1,614,076 alleles (0.000062%); highest among the groups gnomAD compares: Non-Finnish European, 0.000085%; no homozygotes.

Submission:

Labcorp Genetics (formerly Invitae), Labcorp
Classification: Uncertain significance. Last evaluated: 2024-03-09. Review status: criteria provided, single submitter. Criteria: Invitae Variant Classification Sherloc (09022015). Collection method: clinical testing. Allele origin: germline.
Comment: This sequence change replaces threonine, which is neutral and polar, with isoleucine, which is neutral and non-polar, at codon 102 of the DPF2 protein (p.Thr102Ile). This variant is present in population databases (no rsID available, gnomAD 0.007%). This variant has not been reported in the literature in individuals affected with DPF2-related conditions. An algorithm developed to predict the effect of missense changes on protein structure and function (PolyPhen-2) suggests that this variant is likely to be tolerated. In summary, the available evidence is currently insufficient to determine the role of this variant in disease. Therefore, it has been classified as a Variant of Uncertain Significance.